The following is an entry in ClinVar:

ClinVar aggregate classification (germline): Uncertain significance. Review status: criteria provided, multiple submitters, no conflicts (2 of 4 stars). 3 submissions from 3 submitters: Uncertain significance (3). Last evaluated 2025-08-21.

Conditions:
Ataxia-telangiectasia syndrome (AT). Also called: Ataxia-telangiectasia, complementation group D; AT, COMPLEMENTATION GROUP C; ATAXIA-TELANGIECTASIA, COMPLEMENTATION GROUP A; ATAXIA-TELANGIECTASIA, FRESNO VARIANT; Ataxia-telangiectasia; LOUIS-BAR SYNDROME. Identifiers: Orphanet 100, MedGen C0004135, MONDO:0008840, OMIM 208900.
Hereditary cancer-predisposing syndrome. Also called: Tumor predisposition; Hereditary neoplastic syndrome; Neoplastic Syndromes, Hereditary; Hereditary Cancer Syndrome. Identifiers: Orphanet 140162, MedGen C0027672, MeSH D009386, MONDO:0015356.

Submissions (3):

Labcorp Genetics (formerly Invitae), Labcorp
Classification: Uncertain significance for Ataxia-telangiectasia syndrome. Last evaluated: 2025-08-21. Review status: criteria provided, single submitter. Criteria: Invitae Variant Classification Sherloc (09022015). Collection method: clinical testing. Allele origin: germline.
Comment: This sequence change replaces proline, which is neutral and non-polar, with leucine, which is neutral and non-polar, at codon 2901 of the ATM protein (p.Pro2901Leu). This variant is not present in population databases (gnomAD no frequency). This variant has not been reported in the literature in individuals affected with ATM-related conditions. ClinVar contains an entry for this variant (Variation ID: 633061). Invitae Evidence Modeling of protein sequence and biophysical properties (such as structural, functional, and spatial information, amino acid conservation, physicochemical variation, residue mobility, and thermodynamic stability) indicates that this missense variant is expected to disrupt ATM protein function with a positive predictive value of 95%. In summary, the available evidence is currently insufficient to determine the role of this variant in disease. Therefore, it has been classified as a Variant of Uncertain Significance.

Ambry Genetics
Classification: Uncertain significance for Hereditary cancer-predisposing syndrome. Last evaluated: 2021-05-26. Review status: criteria provided, single submitter. Criteria: Ambry Variant Classification Scheme 2023. Collection method: clinical testing. Allele origin: germline.
Comment: The p.P2901L variant (also known as c.8702C>T), located in coding exon 59 of the ATM gene, results from a C to T substitution at nucleotide position 8702. The proline at codon 2901 is replaced by leucine, an amino acid with similar properties. This amino acid position is highly conserved in available vertebrate species. In addition, this alteration is predicted to be deleterious by in silico analysis. Since supporting evidence is limited at this time, the clinical significance of this alteration remains unclear.

Women's Health and Genetics/Laboratory Corporation of America, LabCorp
Classification: Uncertain significance. Last evaluated: 2018-10-22. Review status: criteria provided, single submitter. Criteria: LabCorp Variant Classification Summary - May 2015. Collection method: clinical testing. Allele origin: germline.
Comment: Variant summary: ATM c.8702C>T (p.Pro2901Leu) results in a non-conservative amino acid change in the encoded protein sequence. Five of five in-silico tools predict a damaging effect of the variant on protein function. The variant was absent in 246230 control chromosomes. The available data on variant occurrences in the general population are insufficient to allow any conclusion about variant significance. To our knowledge, no occurrence of c.8702C>T in individuals affected with Ataxia-Telangiectasia and no experimental evidence demonstrating its impact on protein function have been reported. No clinical diagnostic laboratories have submitted clinical-significance assessments for this variant to ClinVar after 2014. Based on the evidence outlined above, the variant was classified as uncertain significance.

NM_000051.4(ATM):c.8702C>T (p.Pro2901Leu)

Genes: ATM (ATM serine/threonine kinase; plus strand), C11orf65 (chromosome 11 open reading frame 65; minus strand). Cytogenetic location: 11q22.3.
Variant type: single nucleotide variant.
Coding change: c.8702C>T on transcript NM_000051.4 (MANE Select); coding-DNA position 8702, C replaced by T.
Protein change: p.Pro2901Leu; replaces proline 2901 with leucine.
Molecular consequence: missense variant. On other transcripts: intron variant (2).
Genome position (GRCh38, 1-based): chr11:108,353,796, C>T. VCF-style: chr11-108353796-C-T. GRCh37 (hg19) VCF-style: chr11-108224523-C-T.
Other names: c.8702C>T, p.Pro2901Leu (NM_001351834.2); c.640+32124G>A (NM_001330368.2); c.695-18504G>A (NM_001351110.2); short protein forms P2901L.
Identifiers: ClinVar variation 633061 (VCV000633061.8), dbSNP rs1565579149, ClinGen allele CA382523709.